The following is an entry in ClinVar:

NM_014989.7(RIMS1):c.1679-8060C>G

Gene: RIMS1 (regulating synaptic membrane exocytosis 1; plus strand). Cytogenetic location: 6q13.
Variant type: single nucleotide variant.
Coding change: c.1679-8060C>G on transcript NM_014989.7 (MANE Select); 8060 bases into the intron before coding-DNA position 1679, C replaced by G.
Molecular consequence: intron variant. On other transcripts: nonsense (9).
Genome position (GRCh38, 1-based): chr6:72,225,713, C>G. VCF-style: chr6-72225713-C-G. GRCh37 (hg19) VCF-style: chr6-72935416-C-G.
Other names: c.9C>G, p.Tyr3Ter (NM_001350421.2, NM_001350424.2, NM_001350428.2 and 6 more transcripts); c.101-8060C>G (NM_001350458.2, NM_001350433.2, NM_001350446.2 and 37 more transcripts); c.-143-8060C>G (NM_001350469.2, NM_001168409.2, NM_001350466.2 and 6 more transcripts); c.56-8060C>G (NM_001350470.2, NM_001168410.2, NM_001350473.2 and 2 more transcripts); short protein forms Y3*.
Identifiers: ClinVar variation 4984288 (VCV004984288.1).

ClinVar aggregate classification (germline): Uncertain significance (1 of 4 stars; one submission).

Conditions:
RIMS1-related disorder. Also called: RIMS1-related condition.

gnomAD v4.1: 1 of 152,154 alleles (0.00066%); highest among the groups gnomAD compares: Non-Finnish European, 0.0015%; no homozygotes.

Submission:

PreventionGenetics, part of Exact Sciences
Classification: Uncertain significance for RIMS1-related condition. Last evaluated: 2026-05-10. Review status: criteria provided, single submitter. Criteria: ACMG Guidelines, 2015. Collection method: clinical testing. Allele origin: germline.
Comment: The RIMS1 c.9C>G variant is predicted to result in premature protein termination (p.Tyr3*). To our knowledge, this variant has not been reported in the literature or in a large population database (gnomAD), indicating this variant is rare. Loss of function is not an established mechanism of RIMS1-related disease. At this time, the clinical significance of this variant is uncertain due to the absence of conclusive functional and genetic evidence.